The following is an entry in ClinVar:

ClinVar aggregate classification (germline): Uncertain significance (1 of 4 stars; one submission).

Allele frequency attached by ClinVar (database versions not stated): gnomAD exomes 0.00002; ESP Exome Variant Server 0.00085; ExAC 0.00311.

Submission:

Ambry Genetics
Classification: Uncertain significance. Last evaluated: 2021-12-03. Review status: criteria provided, single submitter. Criteria: Ambry Variant Classification Scheme 2023. Collection method: clinical testing. Allele origin: germline.
Comment: The p.R47C variant (also known as c.139C>T), located in coding exon 2 of the BCLAF1 gene, results from a C to T substitution at nucleotide position 139. The arginine at codon 47 is replaced by cysteine, an amino acid with highly dissimilar properties. This amino acid position is conserved. In addition, the in silico prediction for this alteration is inconclusive. Since supporting evidence is limited at this time, the clinical significance of this alteration remains unclear.

NM_014739.3(BCLAF1):c.139C>T (p.Arg47Cys)

Gene: BCLAF1 (BCL2 associated transcription factor 1; minus strand). Cytogenetic location: 6q23.3.
Variant type: single nucleotide variant.
Coding change: c.139C>T on transcript NM_014739.3 (MANE Select); coding-DNA position 139, C replaced by T.
Protein change: p.Arg47Cys; replaces arginine 47 with cysteine.
Molecular consequence: missense variant. On other transcripts: non-coding transcript variant (7).
Genome position (GRCh38, 1-based): chr6:136,278,742, G>A on the plus strand (C>T on the coding strand, the complement: BCLAF1 is on the minus strand). VCF-style: chr6-136278742-G-A. GRCh37 (hg19) VCF-style: chr6-136599880-G-A.
Other names: c.133C>T, p.Arg45Cys (NM_001077440.3, NM_001301038.3, NM_001386696.1 and 2 more transcripts); c.139C>T, p.Arg47Cys (NM_001077441.3, NM_001363659.3, NM_001386693.1 and 8 more transcripts); short protein forms R45C, R47C.
Identifiers: ClinVar variation 1771725 (VCV001771725.2), dbSNP rs138460014, ClinGen allele CA4015438.